The following is an entry in ClinVar:

NM_014003.4(DHX38):c.3610A>T (p.Ile1204Phe)

Gene: DHX38 (DEAH-box helicase 38; plus strand). Cytogenetic location: 16q22.2.
Variant type: single nucleotide variant.
Coding change: c.3610A>T on transcript NM_014003.4 (MANE Select); coding-DNA position 3610, A replaced by T.
Protein change: p.Ile1204Phe; replaces isoleucine 1204 with phenylalanine.
Molecular consequence: missense variant.
Genome position (GRCh38, 1-based): chr16:72,112,423, A>T. VCF-style: chr16-72112423-A-T. GRCh37 (hg19) VCF-style: chr16-72146322-A-T.
Other names: short protein forms I1204F.
Identifiers: ClinVar variation 1023231 (VCV001023231.10), dbSNP rs1248891404, ClinGen allele CA396719197.

ClinVar aggregate classification (germline): Uncertain significance (1 of 4 stars; one submission).

Allele frequency attached by ClinVar (database versions not stated): gnomAD exomes below 0.00001 and 0.00001.
gnomAD v4.1: 8 of 1,609,586 alleles (0.0005%); highest among the groups gnomAD compares: South Asian, 0.0088%; no homozygotes.

Submission:

Labcorp Genetics (formerly Invitae), Labcorp
Classification: Uncertain significance. Last evaluated: 2022-10-13. Review status: criteria provided, single submitter. Criteria: Invitae Variant Classification Sherloc (09022015). Collection method: clinical testing. Allele origin: germline.
Comment: In summary, the available evidence is currently insufficient to determine the role of this variant in disease. Therefore, it has been classified as a Variant of Uncertain Significance. Advanced modeling of protein sequence and biophysical properties (such as structural, functional, and spatial information, amino acid conservation, physicochemical variation, residue mobility, and thermodynamic stability) performed at Invitae indicates that this missense variant is expected to disrupt DHX38 protein function. ClinVar contains an entry for this variant (Variation ID: 1023231). This sequence change replaces isoleucine, which is neutral and non-polar, with phenylalanine, which is neutral and non-polar, at codon 1204 of the DHX38 protein (p.Ile1204Phe). This variant has not been reported in the literature in individuals affected with DHX38-related conditions. This variant is present in population databases (no rsID available, gnomAD 0.003%).